The following is an entry in ClinVar:

ClinVar aggregate classification (germline): Benign/Likely benign. Review status: criteria provided, multiple submitters, no conflicts (2 of 4 stars). 16 submissions from 16 submitters: Benign (9); Likely benign (3). 4 of the submissions do not count toward it. Last evaluated 2026-02-04.

Conditions:
Colorectal cancer. Also called: Colorectal cancer, somatic; Malignant Colorectal Neoplasm. Identifiers: MedGen C0346629, MONDO:0005575, OMIM 114500.
Oligodontia-cancer predisposition syndrome. Also called: TOOTH AGENESIS-COLORECTAL CANCER SYNDROME. Identifiers: Orphanet 300576, MedGen C1837750, MONDO:0012075, OMIM 608615. Disease mechanism: loss of function.
Hereditary cancer-predisposing syndrome. Also called: Tumor predisposition; Hereditary neoplastic syndrome; Hereditary Cancer Syndrome; Neoplastic Syndromes, Hereditary. Identifiers: Orphanet 140162, MedGen C0027672, MeSH D009386, MONDO:0015356.

Allele frequency attached by ClinVar (database versions not stated): ESP Exome Variant Server 0.00008; gnomAD exomes 0.00125 and 0.00362; gnomAD 0.00128 and 0.00169; TOPMed 0.00243; ExAC 0.00361; 1000 Genomes Project 30x 0.00671; 1000 Genomes Project 0.00719.
gnomAD v4.1: 2,339 of 1,613,200 alleles (0.14%); highest among the groups gnomAD compares: East Asian, 4.3%; 63 homozygotes.

Submissions (16):

Labcorp Genetics (formerly Invitae), Labcorp
Classification: Benign for Oligodontia-cancer predisposition syndrome. Last evaluated: 2026-02-04. Review status: criteria provided, single submitter. Criteria: Invitae Variant Classification Sherloc (09022015). Collection method: clinical testing. Allele origin: germline.

CeGaT Center for Human Genetics Tuebingen
Classification: Likely benign. Last evaluated: 2026-02-01. Review status: criteria provided, single submitter. Criteria: CeGaT Center For Human Genetics Tuebingen Variant Classification Criteria Version 2. Collection method: clinical testing. Allele origin: germline. Affected: yes. Observed: 4 variant alleles.
Comment: AXIN2: BP4

ARUP Laboratories, Molecular Genetics and Genomics, ARUP Laboratories
Classification: Benign. Last evaluated: 2025-06-06. Review status: criteria provided, single submitter. Criteria: ARUP Molecular Germline Variant Investigation Process 2024. Collection method: clinical testing. Allele origin: germline.

Quest Diagnostics Nichols Institute San Juan Capistrano
Classification: Benign. Last evaluated: 2025-05-13. Review status: criteria provided, single submitter. Criteria: Quest Diagnostics criteria. Collection method: clinical testing. Allele origin: unknown.

Center for Genomic Medicine, Rigshospitalet, Copenhagen University Hospital
Classification: Benign. Last evaluated: 2025-03-04. Review status: criteria provided, single submitter. Criteria: ACMG Guidelines, 2015. Collection method: clinical testing. Allele origin: germline.

Blueprint Genetics
Classification: Likely benign. Last evaluated: 2024-10-28. Review status: criteria provided, single submitter. Criteria: ACMG Guidelines, 2015. Collection method: clinical testing. Allele origin: germline.

KCCC/NGS Laboratory, Kuwait Cancer Control Center
Classification: Benign for Oligodontia-cancer predisposition syndrome. Last evaluated: 2023-07-07. Review status: criteria provided, single submitter. Criteria: ACMG Guidelines, 2015. Collection method: clinical testing. Allele origin: germline. Affected: yes.

Fulgent Genetics
Classification: Benign for Colorectal cancer; Oligodontia-cancer predisposition syndrome. Last evaluated: 2022-05-13. Review status: criteria provided, single submitter. Criteria: ACMG Guidelines, 2015. Collection method: clinical testing. Allele origin: unknown.

Women's Health and Genetics/Laboratory Corporation of America, LabCorp
Classification: Likely benign. Last evaluated: 2021-09-25. Review status: criteria provided, single submitter. Criteria: LabCorp Variant Classification Summary - May 2015. Collection method: clinical testing. Allele origin: germline.

Sema4
Classification: Benign for Hereditary cancer-predisposing syndrome. Last evaluated: 2020-11-05. Review status: criteria provided, single submitter. Criteria: Sema4 Curation Guidelines. Collection method: curation. Allele origin: germline.

Illumina Laboratory Services, Illumina
Classification: Benign for Oligodontia-cancer predisposition syndrome. Last evaluated: 2018-01-13. Review status: criteria provided, single submitter. Criteria: ICSL Variant Classification Criteria 13 December 2019. Collection method: clinical testing. Allele origin: germline.
Comment: This variant was observed in the ICSL laboratory as part of a predisposition screen in an ostensibly healthy population. It had not been previously curated by ICSL or reported in the Human Gene Mutation Database (HGMD: prior to June 1st, 2018), and was therefore a candidate for classification through an automated scoring system. Utilizing variant allele frequency, disease prevalence and penetrance estimates, and inheritance mode, an automated score was calculated to assess if this variant is too frequent to cause the disease. Based on the score and internal cut-off values, a variant classified as benign is not then subjected to further curation. The score for this variant resulted in a classification of benign for this disease.

GeneDx
Classification: Benign. Last evaluated: 2014-01-02. Review status: criteria provided, single submitter. Criteria: GeneDx Variant Classification (06012015). Collection method: clinical testing. Allele origin: germline. Affected: yes.
Comment: This variant is considered likely benign or benign based on one or more of the following criteria: it is a conservative change, it occurs at a poorly conserved position in the protein, it is predicted to be benign by multiple in silico algorithms, and/or has population frequency not consistent with disease.

Clinical Genetics, Academic Medical Center
Classification: Likely benign. Review status: no assertion criteria provided. Collection method: clinical testing. Allele origin: germline. Affected: yes. Study: VKGL Data-share Consensus. Not counted in ClinVar's aggregate classification.

Department of Pathology and Laboratory Medicine, Sinai Health System
Classification: Uncertain significance. Review status: no assertion criteria provided. Collection method: clinical testing. Allele origin: unknown. Affected: yes. Study: The Canadian Open Genetics Repository (COGR). Not counted in ClinVar's aggregate classification.
Comment: Allele frequency is common in at least one population database (frequency: 4.926% in ExAC) based on the frequency threshold of 0.5% for this gene. Variant was observed in a homozygous state in population databases more than expected for disease.

Genome Diagnostics Laboratory, Amsterdam University Medical Center
Classification: Benign. Review status: no assertion criteria provided. Collection method: clinical testing. Allele origin: germline. Affected: yes. Study: VKGL Data-share Consensus. Not counted in ClinVar's aggregate classification.

Genome Diagnostics Laboratory, University Medical Center Utrecht
Classification: Benign. Review status: no assertion criteria provided. Collection method: clinical testing. Allele origin: germline. Affected: yes. Study: VKGL Data-share Consensus. Not counted in ClinVar's aggregate classification.

Literature cited by the submitters: PubMed 38801212 (cited by Quest Diagnostics Nichols Institute San Juan Capistrano); PubMed 36072793 (cited by Quest Diagnostics Nichols Institute San Juan Capistrano).

NM_004655.4(AXIN2):c.1807G>C (p.Ala603Pro)

Gene: AXIN2 (axin 2; minus strand). Cytogenetic location: 17q24.1.
Variant type: single nucleotide variant.
Coding change: c.1807G>C on transcript NM_004655.4 (MANE Select); coding-DNA position 1807, G replaced by C.
Protein change: p.Ala603Pro; replaces alanine 603 with proline.
Molecular consequence: missense variant. On other transcripts: intron variant (1).
Genome position (GRCh38, 1-based): chr17:65,536,969, C>G on the plus strand (G>C on the coding strand, the complement: AXIN2 is on the minus strand). VCF-style: chr17-65536969-C-G. GRCh37 (hg19) VCF-style: chr17-63533087-C-G.
Other names: p.A603P:GCT>CCT; c.1712+355G>C (NM_001363813.1); c.1807G>C (LRG_296t1); short protein forms A603P.
Identifiers: ClinVar variation 136486 (VCV000136486.57), dbSNP rs145353986, ClinGen allele CA289648.